The following is an entry in ClinVar:

ClinVar aggregate classification (germline): Uncertain significance (1 of 4 stars; one submission).

Conditions:
Glycogen storage disease IXb (GSD9B). Also called: GLYCOGENOSIS OF LIVER AND MUSCLE, AUTOSOMAL RECESSIVE; GSD IXb; PHOSPHORYLASE KINASE DEFICIENCY OF LIVER AND MUSCLE, AUTOSOMAL RECESSIVE. Identifiers: Orphanet 79240, MedGen C0543514, MONDO:0009868, OMIM 261750.

Submission:

Labcorp Genetics (formerly Invitae), Labcorp
Classification: Uncertain significance for Glycogen storage disease IXb. Last evaluated: 2020-08-15. Review status: criteria provided, single submitter. Criteria: Invitae Variant Classification Sherloc (09022015). Collection method: clinical testing. Allele origin: germline.
Comment: Algorithms developed to predict the effect of missense changes on protein structure and function are either unavailable or do not agree on the potential impact of this missense change (SIFT: "Tolerated"; PolyPhen-2: "Possibly Damaging"; Align-GVGD: "Class C0"). This variant has not been reported in the literature in individuals with PHKB-related conditions. This variant is not present in population databases (ExAC no frequency). This sequence change replaces aspartic acid with histidine at codon 893 of the PHKB protein (p.Asp893His). The aspartic acid residue is moderately conserved and there is a moderate physicochemical difference between aspartic acid and histidine. In summary, the available evidence is currently insufficient to determine the role of this variant in disease. Therefore, it has been classified as a Variant of Uncertain Significance.

NM_000293.3(PHKB):c.2677G>C (p.Asp893His)

Gene: PHKB (phosphorylase kinase regulatory subunit beta; plus strand). Cytogenetic location: 16q12.1.
Variant type: single nucleotide variant.
Coding change: c.2677G>C on transcript NM_000293.3 (MANE Select); coding-DNA position 2677, G replaced by C.
Protein change: p.Asp893His; replaces aspartic acid 893 with histidine.
Molecular consequence: missense variant.
Genome position (GRCh38, 1-based): chr16:47,689,087, G>C. VCF-style: chr16-47689087-G-C. GRCh37 (hg19) VCF-style: chr16-47722998-G-C.
Other names: c.2656G>C, p.Asp886His (NM_001031835.3); c.2677G>C, p.Asp893His (NM_001363837.1); short protein forms D886H, D893H.
Identifiers: ClinVar variation 1055733 (VCV001055733.9), dbSNP rs2142102160, ClinGen allele CA396099816.
Genomic context (GRCh38, chr16:47,689,087, plus strand): 5'-CTGTTTTGTTTCAGGTGGATCATCCATGCCATGGAGTATGAACTTCAGATCCGTGGCGGA[G>C]ACAAGCCAGCCTTGGACTTGTATCAGCTGTCACCTAGTGAAGTTAAACAGCTTCTGCTGG-3'
Protein context (NP_000284.1, residues 883-903): MEYELQIRGG[Asp893His]KPALDLYQLS